The following is an entry in ClinVar:

NM_018095.6(KBTBD4):c.937_938insAACGGC (p.Arg312_Arg313insGlnArg)

Gene: KBTBD4 (kelch repeat and BTB domain containing 4; minus strand). Cytogenetic location: 11p11.2.
Variant type: Insertion.
Coding change: c.937_938insAACGGC on transcript NM_018095.6 (MANE Select); coding-DNA positions 937 to 938, AACGGC inserted.
Protein change: p.Arg312_Arg313insGlnArg.
Genome position: GRCh38 VCF-style: chr11-47573597-C-CGCCGTT. GRCh37 (hg19) VCF-style: chr11-47595149-C-CGCCGTT.
Other names: c.1036_1037insAACGGC, p.Arg345_Arg346insGlnArg (NM_001318716.2); c.1006_1007insAACGGC, p.Arg335_Arg336insGlnArg (NM_001318717.2); c.964_965insAACGGC, p.Arg321_Arg322insGlnArg (NM_001318718.2, NM_001318719.2); c.958_959insAACGGC, p.Arg319_Arg320insGlnArg (NM_001318720.2); c.889_890insAACGGC, p.Arg296_Arg297insGlnArg (NM_001318721.2, NM_001318722.2, NM_001318723.2 and 3 more transcripts).
Identifiers: ClinVar variation 4530469 (VCV004530469.1).

ClinVar aggregate classification (somatic clinical impact): Tier I - Strong (1 of 4 stars; one submission).

Conditions:
Medulloblastoma non-WNT/non-SHH group 3. Identifiers: MedGen C4330665, MONDO:0956966.

Submission:

Institute for Genomic Medicine (IGM) Clinical Laboratory, Nationwide Children's Hospital
Classification: Tier I - Strong for Medulloblastoma non-WNT/non-SHH group 3. Assertion type: diagnostic. Clinical significance: supports diagnosis. Last evaluated: 2022-10-04. Review status: criteria provided, single submitter. Criteria: AMP/ASCO/CAP Guidelines, 2017. Collection method: clinical testing. Allele origin: somatic. Affected: yes.
Comment: Variant has Tier I (strong) clinical significance as a diagnostic inclusion criterion in medulloblastoma non-WNT/non-SHH group 3, based on the following evidence: 1) Appears in one or more well-established professional guidelines (e.g., World Health Organization [WHO]; National Comprehensive Cancer Network [NCCN]) as providing diagnostic, prognostic, or therapeutic information. 2) Information in the literature supports potential biologic effect of variant (PMID: 35379950). 3) Diagnostic for a specific tumor type/classification based on well-powered studies with expert-level consensus (Evidence Level B; PMIDs: 28726821, 33172502).

Literature cited by the submitters: PubMed 35379950; PubMed 28726821; PubMed 33172502.